The following is an entry in ClinVar:

NM_015559.3(SETBP1):c.144C>G (p.Ile48Met)

Gene: SETBP1 (SET binding protein 1; plus strand). Cytogenetic location: 18q12.3.
Variant type: single nucleotide variant.
Coding change: c.144C>G on transcript NM_015559.3 (MANE Select); coding-DNA position 144, C replaced by G.
Protein change: p.Ile48Met; replaces isoleucine 48 with methionine.
Molecular consequence: missense variant.
Genome position (GRCh38, 1-based): chr18:44,701,490, C>G. VCF-style: chr18-44701490-C-G. GRCh37 (hg19) VCF-style: chr18-42281455-C-G.
Other names: c.144C>G, p.Ile48Met (NM_001130110.2, LRG_1150t1); c.144C>G (NM_015559.2); short protein forms I48M.
Identifiers: ClinVar variation 425151 (VCV000425151.47), dbSNP rs371516078, ClinGen allele CA16621717.
Genomic context (GRCh38, chr18:44,701,490, plus strand): 5'-AGCTGCTCCTGGCTGTGCAGGAGAACCTTTGCTCTCCACTCCAGGACCTGGGAAGGGGAT[C>G]CCGGTGGGCGGAGAGCGCATGGAGCCAGAGGAGGAGGATGAACTAGGCTCAGGGCGGGAT-3'
Protein context (NP_056374.2, residues 38-58): LLSTPGPGKG[Ile48Met]PVGGERMEPE

ClinVar aggregate classification (germline): Uncertain significance. Review status: criteria provided, multiple submitters, no conflicts (2 of 4 stars). 3 submissions from 3 submitters: Uncertain significance (2). 1 of the submissions does not count toward it. Last evaluated 2025-09-03.

Conditions:
SETBP1-related disorder. Also called: SETBP1-related condition; SETBP1-related disorders.

Allele frequency attached by ClinVar (database versions not stated): gnomAD 0.00001; TOPMed 0.00002.
gnomAD v4.1: 18 of 1,613,768 alleles (0.0011%); highest among the groups gnomAD compares: African/African-American, 0.0013%; no homozygotes.

Submissions (3):

Labcorp Genetics (formerly Invitae), Labcorp
Classification: Uncertain significance. Last evaluated: 2025-09-03. Review status: criteria provided, single submitter. Criteria: Invitae Variant Classification Sherloc (09022015). Collection method: clinical testing. Allele origin: germline.
Comment: This sequence change replaces isoleucine, which is neutral and non-polar, with methionine, which is neutral and non-polar, at codon 48 of the SETBP1 protein (p.Ile48Met). This variant is present in population databases (no rsID available, gnomAD 0.004%). This variant has not been reported in the literature in individuals affected with SETBP1-related conditions. ClinVar contains an entry for this variant (Variation ID: 425151). An algorithm developed to predict the effect of missense changes on protein structure and function (PolyPhen-2) suggests that this variant is likely to be disruptive. In summary, the available evidence is currently insufficient to determine the role of this variant in disease. Therefore, it has been classified as a Variant of Uncertain Significance.

CeGaT Center for Human Genetics Tuebingen
Classification: Uncertain significance. Last evaluated: 2016-10-01. Review status: criteria provided, single submitter. Criteria: CeGaT Center For Human Genetics Tuebingen Variant Classification Criteria Version 2. Collection method: clinical testing. Allele origin: germline. Affected: yes. Observed: 1 variant allele.

PreventionGenetics, part of Exact Sciences
Classification: Uncertain significance for SETBP1-related condition. Last evaluated: 2024-04-23. Review status: no assertion criteria provided. Collection method: clinical testing. Allele origin: germline. Not counted in ClinVar's aggregate classification.
Comment: The SETBP1 c.144C>G variant is predicted to result in the amino acid substitution p.Ile48Met. To our knowledge, this variant has not been reported in the literature. This variant is reported in 0.0046% of alleles in individuals of European (Finnish) descent in gnomAD. At this time, the clinical significance of this variant is uncertain due to the absence of conclusive functional and genetic evidence.